The following is an entry in ClinVar:

ClinVar aggregate classification (germline): Uncertain significance (1 of 4 stars; one submission).

Allele frequency attached by ClinVar (database versions not stated): gnomAD exomes below 0.00001.
gnomAD v4.1: 2 of 1,609,472 alleles (0.00012%); highest among the groups gnomAD compares: Admixed American, 0.0017%; no homozygotes.

Submission:

Labcorp Genetics (formerly Invitae), Labcorp
Classification: Uncertain significance. Last evaluated: 2024-10-15. Review status: criteria provided, single submitter. Criteria: Invitae Variant Classification Sherloc (09022015). Collection method: clinical testing. Allele origin: germline.
Comment: This sequence change replaces glycine, which is neutral and non-polar, with serine, which is neutral and polar, at codon 608 of the PDE6C protein (p.Gly608Ser). This variant is present in population databases (no rsID available, gnomAD 0.003%). This variant has not been reported in the literature in individuals affected with PDE6C-related conditions. ClinVar contains an entry for this variant (Variation ID: 1468864). Invitae Evidence Modeling of protein sequence and biophysical properties (such as structural, functional, and spatial information, amino acid conservation, physicochemical variation, residue mobility, and thermodynamic stability) indicates that this missense variant is expected to disrupt PDE6C protein function with a positive predictive value of 95%. In summary, the available evidence is currently insufficient to determine the role of this variant in disease. Therefore, it has been classified as a Variant of Uncertain Significance.

NM_006204.4(PDE6C):c.1822G>A (p.Gly608Ser)

Gene: PDE6C (phosphodiesterase 6C; plus strand). Cytogenetic location: 10q23.33.
Variant type: single nucleotide variant.
Coding change: c.1822G>A on transcript NM_006204.4 (MANE Select); coding-DNA position 1822, G replaced by A.
Protein change: p.Gly608Ser; replaces glycine 608 with serine.
Molecular consequence: missense variant.
Genome position (GRCh38, 1-based): chr10:93,641,004, G>A. VCF-style: chr10-93641004-G-A. GRCh37 (hg19) VCF-style: chr10-95400761-G-A.
Other names: short protein forms G608S.
Identifiers: ClinVar variation 1468864 (VCV001468864.5), dbSNP rs1476452820, ClinGen allele CA377619820.